The following is an entry in ClinVar:

NM_017588.3(WDR5):c.693C>T (p.Ala231=)

Gene: WDR5 (WD repeat domain 5; plus strand). Cytogenetic location: 9q34.2.
Variant type: single nucleotide variant.
Coding change: c.693C>T on transcript NM_017588.3 (MANE Select); coding-DNA position 693, C replaced by T.
Protein change: p.Ala231=; no amino-acid change (alanine 231 retained).
Molecular consequence: synonymous variant.
Genome position (GRCh38, 1-based): chr9:134,154,527, C>T. VCF-style: chr9-134154527-C-T. GRCh37 (hg19) VCF-style: chr9-137019649-C-T.
Other names: c.693C>T, p.Ala231= (NM_001384409.1, NM_001384410.1, NM_001384411.1 and 5 more transcripts); c.690C>T, p.Ala230= (NM_001384416.1); c.684C>T, p.Ala228= (NM_001384417.1); c.564C>T, p.Ala188= (NM_001384418.1, NM_001384419.1).
Identifiers: ClinVar variation 3898123 (VCV003898123.7).

ClinVar aggregate classification (germline): Likely benign (1 of 4 stars; one submission).

gnomAD v4.1: 898 of 1,614,166 alleles (0.056%); highest among the groups gnomAD compares: African/African-American, 0.26%; 4 homozygotes.

Submission:

CeGaT Center for Human Genetics Tuebingen
Classification: Likely benign. Last evaluated: 2025-04-01. Review status: criteria provided, single submitter. Criteria: CeGaT Center For Human Genetics Tuebingen Variant Classification Criteria Version 2. Collection method: clinical testing. Allele origin: germline. Affected: yes. Observed: 1 variant allele.
Comment: WDR5: BP4, BP7, BS1